The following is an entry in ClinVar:

ClinVar aggregate classification (germline): Uncertain significance (1 of 4 stars; one submission).

Conditions:
Cardiovascular phenotype. Identifiers: MedGen CN230736.

Submission:

Ambry Genetics
Classification: Uncertain significance for Cardiovascular phenotype. Last evaluated: 2026-05-28. Review status: criteria provided, single submitter. Criteria: Ambry Variant Classification Scheme 2023. Collection method: clinical testing. Allele origin: germline.
Comment: The p.R281P variant (also known as c.842G>C), located in coding exon 6 of the ABCC9 gene, results from a G to C substitution at nucleotide position 842. The arginine at codon 281 is replaced by proline, an amino acid with dissimilar properties. This amino acid position is conserved. In addition, the in silico prediction for this alteration is inconclusive. Based on the available evidence, the clinical significance of this variant remains unclear.

NM_020297.4(ABCC9):c.842G>C (p.Arg281Pro)

Gene: ABCC9 (ATP binding cassette subfamily C member 9; minus strand). Cytogenetic location: 12p12.1.
Variant type: single nucleotide variant.
Coding change: c.842G>C on transcript NM_020297.4 (MANE Select); coding-DNA position 842, G replaced by C.
Protein change: p.Arg281Pro; replaces arginine 281 with proline.
Molecular consequence: missense variant. On other transcripts: 5 prime UTR variant (1).
Genome position (GRCh38, 1-based): chr12:21,913,041, C>G on the plus strand (G>C on the coding strand, the complement: ABCC9 is on the minus strand). VCF-style: chr12-21913041-C-G. GRCh37 (hg19) VCF-style: chr12-22065975-C-G.
Other names: c.842G>C, p.Arg281Pro (NM_001377273.1, NM_005691.4); c.-23G>C (NM_001377274.1); short protein forms R281P.
Identifiers: ClinVar variation 4861379 (VCV004861379.1).